The following is an entry in ClinVar:

ClinVar aggregate classification (germline): Uncertain significance (1 of 4 stars; one submission).

Allele frequency attached by ClinVar (database versions not stated): gnomAD exomes below 0.00001; ExAC 0.00001.
gnomAD v4.1: 1 of 1,612,388 alleles (0.000062%); highest among the groups gnomAD compares: Admixed American, 0.0017%; no homozygotes.

Submission:

GeneDx
Classification: Uncertain significance. Last evaluated: 2022-03-22. Review status: criteria provided, single submitter. Criteria: GeneDx Variant Classification Process June 2021. Collection method: clinical testing. Allele origin: germline. Affected: yes.
Comment: Has not been previously published as pathogenic or benign to our knowledge; In silico analysis supports that this missense variant has a deleterious effect on protein structure/function

NM_001904.4(CTNNB1):c.931A>G (p.Ser311Gly)

Gene: CTNNB1 (catenin beta 1; plus strand). Cytogenetic location: 3p22.1.
Variant type: single nucleotide variant.
Coding change: c.931A>G on transcript NM_001904.4 (MANE Select); coding-DNA position 931, A replaced by G.
Protein change: p.Ser311Gly; replaces serine 311 with glycine.
Molecular consequence: missense variant.
Genome position (GRCh38, 1-based): chr3:41,225,856, A>G. VCF-style: chr3-41225856-A-G. GRCh37 (hg19) VCF-style: chr3-41267347-A-G.
Other names: c.931A>G, p.Ser311Gly (NM_001098209.2, NM_001098210.2); c.910A>G, p.Ser304Gly (NM_001330729.2); short protein forms S304G, S311G.
Identifiers: ClinVar variation 1678673 (VCV001678673.2), dbSNP rs755788748, ClinGen allele CA2330985.